The following is an entry in ClinVar:

NM_002582.4(PARN):c.840+6del

Gene: PARN (poly(A)-specific ribonuclease; minus strand). Cytogenetic location: 16p13.12.
Variant type: Deletion.
Coding change: c.840+6del on transcript NM_002582.4 (MANE Select); 6 bases into the intron after coding-DNA position 840, one base deleted (T; older notation c.840+6delT).
Molecular consequence: intron variant.
Genome position (GRCh38, 1-based): chr16:14,599,898, A deleted on the plus strand (T on the coding strand, the reverse complement: PARN is on the minus strand). VCF-style (leftmost placement, unchanged base first): chr16-14599897-CA-C. GRCh37 (hg19) VCF-style: chr16-14693754-CA-C.
Other names: p.?; c.657+6del (NM_001134477.3); c.702+6del (NM_001242992.2); c.840+6delT (NM_002582.3); c.840+6del (LRG_1286t1).
Identifiers: ClinVar variation 436150 (VCV000436150.22), dbSNP rs531994703, ClinGen allele CA7912272.
Genomic context (GRCh38, chr16:14,599,897, plus strand): 5'-TGATAATTAGATACTTCACCTGAAATAGTATGTTCTGCAATCTTGCTAAAAAGTCTGGCT[CA>C]CTTACCGAATTAGCAATGGCGTGAATGACTCTAGAAAATCCCACAGCATCATTCAGCTCC-3'

ClinVar aggregate classification (germline): Benign/Likely benign. Review status: criteria provided, multiple submitters, no conflicts (2 of 4 stars). 5 submissions from 5 submitters: Benign (3); Likely benign (1). 1 of the submissions does not count toward it. Last evaluated 2026-01-27.

Conditions:
PARN-related disorder. Also called: PARN-related condition; PARN-related disorders.
Dyskeratosis congenita, autosomal recessive 6 (DKCB6). Identifiers: MedGen C4225356, MONDO:0014600, OMIM 616353.
Pulmonary fibrosis and/or bone marrow failure, Telomere-related, 4. Also called: PULMONARY FIBROSIS AND/OR BONE MARROW FAILURE SYNDROME, TELOMERE-RELATED, 4. Identifiers: Orphanet 2032, MedGen C4225347, MONDO:0014612, OMIM 616371.

Allele frequency attached by ClinVar (database versions not stated): gnomAD exomes 0.00033 and 0.00092; ExAC 0.00111; ESP Exome Variant Server 0.00341; gnomAD 0.00426 and 0.00452; TOPMed 0.00444; 1000 Genomes Project 30x 0.00484; 1000 Genomes Project 0.00519.

Submissions (5):

Labcorp Genetics (formerly Invitae), Labcorp
Classification: Benign for Dyskeratosis congenita, autosomal recessive 6; Pulmonary fibrosis and/or bone marrow failure, Telomere-related, 4. Last evaluated: 2026-01-27. Review status: criteria provided, single submitter. Criteria: Invitae Variant Classification Sherloc (09022015). Collection method: clinical testing. Allele origin: germline.

Mayo Clinic Laboratories, Mayo Clinic
Classification: Benign. Last evaluated: 2025-07-02. Review status: criteria provided, single submitter. Criteria: ACMG Guidelines, 2015. Collection method: clinical testing. Allele origin: germline. Observed: 1 variant allele.
Comment: BA1, BS2

Blueprint Genetics
Classification: Likely benign. Last evaluated: 2024-11-25. Review status: criteria provided, single submitter. Criteria: ACMG Guidelines, 2015. Collection method: clinical testing. Allele origin: germline.

Genetic Services Laboratory, University of Chicago
Classification: Benign. Last evaluated: 2019-03-28. Review status: criteria provided, single submitter. Criteria: ACMG Guidelines, 2015. Collection method: clinical testing. Allele origin: germline. Affected: no.

PreventionGenetics, part of Exact Sciences
Classification: Likely benign for PARN-related condition. Last evaluated: 2019-12-18. Review status: no assertion criteria provided. Collection method: clinical testing. Allele origin: germline. Not counted in ClinVar's aggregate classification.
Comment: This variant is classified as likely benign based on ACMG/AMP sequence variant interpretation guidelines (Richards et al. 2015 PMID: 25741868, with internal and published modifications).